The following is an entry in ClinVar:

NM_002230.4(JUP):c.406G>C (p.Asp136His)

Gene: JUP (junction plakoglobin; minus strand). Cytogenetic location: 17q21.2.
Variant type: single nucleotide variant.
Coding change: c.406G>C on transcript NM_002230.4 (MANE Select); coding-DNA position 406, G replaced by C.
Protein change: p.Asp136His; replaces aspartic acid 136 with histidine.
Molecular consequence: missense variant.
Genome position (GRCh38, 1-based): chr17:41,769,480, C>G on the plus strand (G>C on the coding strand, the complement: JUP is on the minus strand). VCF-style: chr17-41769480-C-G. GRCh37 (hg19) VCF-style: chr17-39925732-C-G.
Other names: p.D136H:GAT>CAT; c.406G>C, p.Asp136His (NM_001352773.2, NM_001352774.2, NM_001352775.2 and 3 more transcripts); short protein forms D136H.
Identifiers: ClinVar variation 201810 (VCV000201810.9), dbSNP rs782392706, ClinGen allele CA308456.

ClinVar aggregate classification (germline): Uncertain significance. Review status: criteria provided, multiple submitters, no conflicts (2 of 4 stars). 4 submissions from 4 submitters: Uncertain significance (4). Last evaluated 2025-12-10.

Conditions:
Cardiovascular phenotype. Identifiers: MedGen CN230736.
Arrhythmogenic right ventricular dysplasia 12. Also called: ARRHYTHMOGENIC RIGHT VENTRICULAR DYSPLASIA, FAMILIAL, 12. Identifiers: MedGen C1969081, MONDO:0012684, OMIM 611528.
Naxos disease (NXD). Also called: WOOLLY HAIR, PALMOPLANTAR KERATODERMA, AND CARDIAC ABNORMALITIES; KERATOSIS PALMOPLANTARIS WITH ARRHYTHMOGENIC CARDIOMYOPATHY; MAL DE NAXOS; PALMOPLANTAR KERATODERMA WITH ARRHYTHMOGENIC RIGHT VENTRICULAR CARDIOMYOPATHY AND WOOLLY HAIR; CARDIOMYOPATHY, ARRHYTHMOGENIC RIGHT VENTRICULAR, WITH SKIN, HAIR, AND NAIL ABNORMALITIES. Identifiers: Orphanet 34217, MedGen C1832600, MONDO:0011017, OMIM 601214.

gnomAD v4.1: 4 of 1,613,068 alleles (0.00025%); highest among the groups gnomAD compares: Non-Finnish European, 0.00025%; no homozygotes.

Submissions (4):

GeneDx
Classification: Uncertain significance. Last evaluated: 2025-12-10. Review status: criteria provided, single submitter. Criteria: GeneDx Variant Classification Process June 2021. Collection method: clinical testing. Allele origin: germline. Affected: yes.
Comment: Identified in a deceased patient with arrhythmogenic cardiomyopathy (ACM) in published literature (PMID: 38777137); Not observed at significant frequency in large population cohorts (gnomAD); In silico analysis supports that this missense variant has a deleterious effect on protein structure/function; This variant is associated with the following publications: (PMID: 38777137)

Blueprint Genetics
Classification: Uncertain significance. Last evaluated: 2024-04-29. Review status: criteria provided, single submitter. Criteria: ACMG Guidelines, 2015. Collection method: clinical testing. Allele origin: germline.

Ambry Genetics
Classification: Uncertain significance for Cardiovascular phenotype. Last evaluated: 2024-01-11. Review status: criteria provided, single submitter. Criteria: Ambry Variant Classification Scheme 2023. Collection method: clinical testing. Allele origin: germline.
Comment: The p.D136H variant (also known as c.406G>C), located in coding exon 2 of the JUP gene, results from a G to C substitution at nucleotide position 406. The aspartic acid at codon 136 is replaced by histidine, an amino acid with similar properties. This amino acid position is highly conserved in available vertebrate species. In addition, this alteration is predicted to be deleterious by in silico analysis. Since supporting evidence is limited at this time, the clinical significance of this alteration remains unclear.

Labcorp Genetics (formerly Invitae), Labcorp
Classification: Uncertain significance for Arrhythmogenic right ventricular dysplasia 12; Naxos disease. Last evaluated: 2023-07-03. Review status: criteria provided, single submitter. Criteria: Invitae Variant Classification Sherloc (09022015). Collection method: clinical testing. Allele origin: germline.
Comment: In summary, the available evidence is currently insufficient to determine the role of this variant in disease. Therefore, it has been classified as a Variant of Uncertain Significance. An algorithm developed to predict the effect of missense changes on protein structure and function (PolyPhen-2) suggests that this variant is likely to be disruptive. ClinVar contains an entry for this variant (Variation ID: 201810). This variant has not been reported in the literature in individuals affected with JUP-related conditions. This variant is not present in population databases (gnomAD no frequency). This sequence change replaces aspartic acid, which is acidic and polar, with histidine, which is basic and polar, at codon 136 of the JUP protein (p.Asp136His).